The following is an entry in ClinVar:

NM_001127178.3(PIGG):c.2413G>T (p.Ala805Ser)

Gene: PIGG (phosphatidylinositol glycan anchor biosynthesis class G (EMM blood group); plus strand). Cytogenetic location: 4p16.3.
Variant type: single nucleotide variant.
Coding change: c.2413G>T on transcript NM_001127178.3 (MANE Select); coding-DNA position 2413, G replaced by T.
Protein change: p.Ala805Ser; replaces alanine 805 with serine.
Molecular consequence: missense variant. On other transcripts: non-coding transcript variant (6).
Genome position (GRCh38, 1-based): chr4:530,587, G>T. VCF-style: chr4-530587-G-T. GRCh37 (hg19) VCF-style: chr4-524376-G-T.
Other names: c.2146G>T, p.Ala716Ser (NM_001289051.2, NM_001345986.2); c.2014G>T, p.Ala672Ser (NM_001289052.2); c.2122G>T, p.Ala708Ser (NM_001345987.2); c.1384G>T, p.Ala462Ser (NM_001345988.2); c.880G>T, p.Ala294Ser (NM_001345990.2, NM_001345991.2); c.1315G>T, p.Ala439Ser (NM_001345994.2); c.2389G>T, p.Ala797Ser (NM_017733.5); short protein forms A716S, A672S, A708S, A294S, A439S, A797S, A462S, A805S.
Identifiers: ClinVar variation 664991 (VCV000664991.6), dbSNP rs1577135737, ClinGen allele CA355910104.

ClinVar aggregate classification (germline): Uncertain significance (1 of 4 stars; one submission).

Conditions:
Intellectual disability, autosomal recessive 53 (NEDHSCA). Also called: NEURODEVELOPMENTAL DISORDER WITH OR WITHOUT HYPOTONIA, SEIZURES, AND CEREBELLAR ATROPHY; GLYCOSYLPHOSPHATIDYLINOSITOL BIOSYNTHESIS DEFECT 13; Mental retardation, autosomal recessive 53. Identifiers: Orphanet 488635, MedGen C4310794, MONDO:0014832, OMIM 616917.

Allele frequency attached by ClinVar (database versions not stated): gnomAD exomes below 0.00001; TOPMed below 0.00001.
gnomAD v4.1: 2 of 1,613,898 alleles (0.00012%); highest among the groups gnomAD compares: Non-Finnish European, 0.00017%; no homozygotes.

Submission:

Labcorp Genetics (formerly Invitae), Labcorp
Classification: Uncertain significance for Intellectual disability, autosomal recessive 53. Last evaluated: 2021-09-01. Review status: criteria provided, single submitter. Criteria: Invitae Variant Classification Sherloc (09022015). Collection method: clinical testing. Allele origin: germline.
Comment: This sequence change replaces alanine with serine at codon 805 of the PIGG protein (p.Ala805Ser). The alanine residue is moderately conserved and there is a moderate physicochemical difference between alanine and serine. This variant is not present in population databases (ExAC no frequency). This variant has not been reported in the literature in individuals affected with PIGG-related conditions. Algorithms developed to predict the effect of missense changes on protein structure and function (SIFT, PolyPhen-2, Align-GVGD) all suggest that this variant is likely to be tolerated. Algorithms developed to predict the effect of sequence changes on RNA splicing suggest that this variant may create or strengthen a splice site. In summary, the available evidence is currently insufficient to determine the role of this variant in disease. Therefore, it has been classified as a Variant of Uncertain Significance.